The following is an entry in ClinVar:

NM_022080.3(NAPB):c.296-8C>T

Gene: NAPB (NSF attachment protein beta; minus strand). Cytogenetic location: 20p11.21.
Variant type: single nucleotide variant.
Coding change: c.296-8C>T on transcript NM_022080.3 (MANE Select); 8 bases into the intron before coding-DNA position 296, C replaced by T.
Molecular consequence: intron variant.
Genome position (GRCh38, 1-based): chr20:23,395,193, G>A on the plus strand (C>T on the coding strand, the complement: NAPB is on the minus strand). VCF-style: chr20-23395193-G-A. GRCh37 (hg19) VCF-style: chr20-23375830-G-A.
Other names: c.179-8C>T (NM_001283020.2); c.61-194C>T (NM_001283026.2); c.308-8C>T (NM_001283018.2).
Identifiers: ClinVar variation 2652239 (VCV002652239.24), dbSNP rs376799465, ClinGen allele CA9789071.

ClinVar aggregate classification (germline): Likely benign (1 of 4 stars; one submission).

Allele frequency attached by ClinVar (database versions not stated): gnomAD 0.00004; ExAC 0.00007; gnomAD exomes 0.00007; TOPMed 0.00008; ESP Exome Variant Server 0.00015.
gnomAD v4.1: 113 of 1,613,852 alleles (0.007%); highest among the groups gnomAD compares: Non-Finnish European, 0.0086%; no homozygotes.

Submission:

CeGaT Center for Human Genetics Tuebingen
Classification: Likely benign. Last evaluated: 2022-08-01. Review status: criteria provided, single submitter. Criteria: CeGaT Center For Human Genetics Tuebingen Variant Classification Criteria Version 2. Collection method: clinical testing. Allele origin: germline. Affected: yes. Observed: 1 variant allele.
Comment: NAPB: BP4